The following is an entry in ClinVar:

NM_000455.5(STK11):c.1157T>G (p.Leu386Arg)

Gene: STK11 (serine/threonine kinase 11; plus strand). Cytogenetic location: 19p13.3.
Variant type: single nucleotide variant.
Coding change: c.1157T>G on transcript NM_000455.5 (MANE Select); coding-DNA position 1157, T replaced by G.
Protein change: p.Leu386Arg; replaces leucine 386 with arginine.
Molecular consequence: missense variant.
Genome position (GRCh38, 1-based): chr19:1,226,502, T>G. VCF-style: chr19-1226502-T-G. GRCh37 (hg19) VCF-style: chr19-1226501-T-G.
Other names: short protein forms L386R.
Identifiers: ClinVar variation 230965 (VCV000230965.14), dbSNP rs876658871, ClinGen allele CA10581018.

ClinVar aggregate classification (germline): Uncertain significance. Review status: criteria provided, multiple submitters, no conflicts (2 of 4 stars). 3 submissions from 3 submitters: Uncertain significance (3). Last evaluated 2025-05-29.

Conditions:
Hereditary cancer-predisposing syndrome. Also called: Hereditary Cancer Syndrome; Neoplastic Syndromes, Hereditary; Tumor predisposition; Hereditary neoplastic syndrome. Identifiers: Orphanet 140162, MedGen C0027672, MeSH D009386, MONDO:0015356.
Peutz-Jeghers syndrome (PJS). Also called: POLYPOSIS, HAMARTOMATOUS INTESTINAL; POLYPS-AND-SPOTS SYNDROME; Peutz-Jeghers polyposis; Periorificial lentiginosis syndrome. Identifiers: Orphanet 2869, MedGen C0031269, MeSH D010580, MONDO:0008280, OMIM 175200.

Allele frequency attached by ClinVar (database versions not stated): gnomAD exomes below 0.00001.

Submissions (3):

Ambry Genetics
Classification: Uncertain significance for Hereditary cancer-predisposing syndrome. Last evaluated: 2025-05-29. Review status: criteria provided, single submitter. Criteria: Ambry Variant Classification Scheme 2023. Collection method: clinical testing. Allele origin: germline.
Comment: The p.L386R variant (also known as c.1157T>G), located in coding exon 9 of the STK11 gene, results from a T to G substitution at nucleotide position 1157. The leucine at codon 386 is replaced by arginine, an amino acid with dissimilar properties. This amino acid position is not well conserved in available vertebrate species. In addition, this alteration is predicted to be tolerated by in silico analysis. Based on the available evidence, the clinical significance of this variant remains unclear.

Labcorp Genetics (formerly Invitae), Labcorp
Classification: Uncertain significance for Peutz-Jeghers syndrome. Last evaluated: 2024-04-30. Review status: criteria provided, single submitter. Criteria: Invitae Variant Classification Sherloc (09022015). Collection method: clinical testing. Allele origin: germline.
Comment: This sequence change replaces leucine, which is neutral and non-polar, with arginine, which is basic and polar, at codon 386 of the STK11 protein (p.Leu386Arg). This variant is not present in population databases (gnomAD no frequency). This variant has not been reported in the literature in individuals affected with STK11-related conditions. ClinVar contains an entry for this variant (Variation ID: 230965). Advanced modeling of protein sequence and biophysical properties (such as structural, functional, and spatial information, amino acid conservation, physicochemical variation, residue mobility, and thermodynamic stability) performed at Invitae indicates that this missense variant is not expected to disrupt STK11 protein function with a negative predictive value of 95%. In summary, the available evidence is currently insufficient to determine the role of this variant in disease. Therefore, it has been classified as a Variant of Uncertain Significance.

Genome-Nilou Lab
Classification: Uncertain significance for Peutz-Jeghers syndrome. Last evaluated: 2021-07-15. Review status: criteria provided, single submitter. Criteria: ACMG Guidelines, 2015. Collection method: clinical testing. Allele origin: germline. Affected: no.